The following is an entry in ClinVar:

NM_000289.6(PFKM):c.944G>A (p.Arg315Lys)

Gene: PFKM (phosphofructokinase, muscle; plus strand). Cytogenetic location: 12q13.11.
Variant type: single nucleotide variant.
Coding change: c.944G>A on transcript NM_000289.6 (MANE Select); coding-DNA position 944, G replaced by A.
Protein change: p.Arg315Lys; replaces arginine 315 with lysine.
Molecular consequence: missense variant. On other transcripts: non-coding transcript variant (6), intron variant (1).
Genome position (GRCh38, 1-based): chr12:48,137,728, G>A. VCF-style: chr12-48137728-G-A. GRCh37 (hg19) VCF-style: chr12-48531511-G-A.
Other names: p.Arg315Lys; c.1064G>A, p.Arg355Lys (NM_001439058.1); c.937-1557G>A (NM_001354746.2); c.1157G>A, p.Arg386Lys (NM_001166686.2, NM_001354737.1, NM_001354738.1 and 1 more transcripts); c.944G>A, p.Arg315Lys (NM_001166687.2, NM_001166688.2, NM_001354742.2 and 2 more transcripts); c.1253G>A, p.Arg418Lys (NM_001354735.1, NM_001354736.1); c.1088G>A, p.Arg363Lys (NM_001354740.1); c.968G>A, p.Arg323Lys (NM_001354741.2); and 3 more; short protein forms R265K, R315K, R386K, R418K, R284K, R286K, R355K, R323K.
Identifiers: ClinVar variation 4541712 (VCV004541712.1).

ClinVar aggregate classification (germline): Uncertain significance (1 of 4 stars; one submission).

Submission:

Mayo Clinic Laboratories, Mayo Clinic
Classification: Uncertain significance. Last evaluated: 2025-02-11. Review status: criteria provided, single submitter. Criteria: ACMG Guidelines, 2015. Collection method: clinical testing. Allele origin: germline. Observed: 1 variant allele.
Comment: PM2_supporting